The following is an entry in ClinVar:

NM_001371986.1(UNC80):c.9612_9615dup (p.Pro3206fs)

Gene: UNC80 (unc-80 subunit of NALCN channel complex; plus strand). Cytogenetic location: 2q34.
Variant type: Duplication.
Coding change: c.9612_9615dup on transcript NM_001371986.1 (MANE Select); coding-DNA positions 9612 to 9615, 4 bases duplicated (AGCC; older notation c.9612_9615dupAGCC).
Protein change: p.Pro3206fs; shifts the reading frame from proline 3206.
Molecular consequence: frameshift variant.
Genome position (GRCh38, 1-based): chr2:209,994,168-209,994,171, AGCC duplicated; duplicating any 4 consecutive bases within chr2:209,994,166-209,994,171 gives the same sequence; the c. name uses the placement nearest the transcript's 3' end. VCF-style (leftmost placement, unchanged base first): chr2-209994165-C-CCCAG. GRCh37 (hg19) VCF-style: chr2-210858889-C-CCCAG.
Other names: c.9414_9417dup, p.Pro3140fs (NM_032504.2); c.9342_9345dup, p.Pro3116fs (NM_182587.4); short protein forms P3116fs, P3140fs, P3206fs.
Identifiers: ClinVar variation 2027133 (VCV002027133.4), dbSNP rs2471268382, ClinGen allele CA2580065517.

ClinVar aggregate classification (germline): Pathogenic (1 of 4 stars; one submission).

Submission:

Labcorp Genetics (formerly Invitae), Labcorp
Classification: Pathogenic. Last evaluated: 2022-08-27. Review status: criteria provided, single submitter. Criteria: Invitae Variant Classification Sherloc (09022015). Collection method: clinical testing. Allele origin: germline.
Comment: For these reasons, this variant has been classified as Pathogenic. This variant has not been reported in the literature in individuals affected with UNC80-related conditions. This variant is not present in population databases (gnomAD no frequency). This sequence change creates a premature translational stop signal (p.Pro3140Serfs*4) in the UNC80 gene. It is expected to result in an absent or disrupted protein product. Loss-of-function variants in UNC80 are known to be pathogenic (PMID: 26545877, 26708751, 26708753).

Literature cited by the submitters: PubMed 26545877; PubMed 26708751; PubMed 26708753.